The following is an entry in ClinVar:

NM_001256715.2(DNAAF3):c.363_373del (p.Leu122fs)

Genes: DNAAF3-AS1 (DNAAF3 antisense RNA 1; plus strand), DNAAF3 (dynein axonemal assembly factor 3; minus strand). Cytogenetic location: 19q13.42.
Variant type: Deletion.
Coding change: c.363_373del on transcript NM_001256715.2 (MANE Select); coding-DNA positions 363 to 373, 11 bases deleted (GCTGCGCCCGC).
Protein change: p.Leu122fs; shifts the reading frame from leucine 122.
Molecular consequence: frameshift variant.
Genome position (GRCh38, 1-based): chr19:55,162,240-55,162,250, GCGGGCGCAGC deleted on the plus strand (GCTGCGCCCGC on the coding strand, the reverse complement: DNAAF3 is on the minus strand). VCF-style (leftmost placement, unchanged base first): chr19-55162239-GGCGGGCGCAGC-G. GRCh37 (hg19) VCF-style: chr19-55673607-GGCGGGCGCAGC-G.
Other names: c.567_577del, p.Leu190fs (NM_001256714.1); c.201_211del, p.Leu68fs (NM_001256716.2); c.504_514del, p.Leu169fs (NM_178837.4); c.567_577delGCTGCGCCCGC (NM_001256714.1); short protein forms L169fs, L68fs, L190fs, L122fs.
Identifiers: ClinVar variation 581286 (VCV000581286.7), dbSNP rs1159887305, ClinGen allele CA633873281.

ClinVar aggregate classification (germline): Pathogenic (1 of 4 stars; one submission).

Conditions:
Primary ciliary dyskinesia. Also called: Ciliary dyskinesia. Identifiers: Orphanet 244, MedGen C0008780, MONDO:0016575, HP:0012265.

Submission:

Labcorp Genetics (formerly Invitae), Labcorp
Classification: Pathogenic for Primary ciliary dyskinesia. Last evaluated: 2022-08-23. Review status: criteria provided, single submitter. Criteria: Invitae Variant Classification Sherloc (09022015). Collection method: clinical testing. Allele origin: germline.
Comment: For these reasons, this variant has been classified as Pathogenic. ClinVar contains an entry for this variant (Variation ID: 581286). This variant has not been reported in the literature in individuals affected with DNAAF3-related conditions. This variant is not present in population databases (gnomAD no frequency). This sequence change creates a premature translational stop signal (p.Leu190Serfs*94) in the DNAAF3 gene. It is expected to result in an absent or disrupted protein product. Loss-of-function variants in DNAAF3 are known to be pathogenic (PMID: 22387996).

Literature cited by the submitters: PubMed 22387996.